The following is an entry in ClinVar:

NM_000018.4(ACADVL):c.100_104dup (p.Arg37fs)

Genes: ACADVL (acyl-CoA dehydrogenase very long chain; plus strand), LOC130060113 (ATAC-STARR-seq lymphoblastoid silent region 8088; plus strand). Cytogenetic location: 17p13.1.
Variant type: Microsatellite.
Coding change: c.100_104dup on transcript NM_000018.4 (MANE Select); coding-DNA positions 100 to 104, 5 bases duplicated (GGCCC; older notation c.100_104dupGGCCC).
Protein change: p.Arg37fs; shifts the reading frame from arginine 37.
Molecular consequence: frameshift variant. On other transcripts: 5 prime UTR variant (1).
Genome position (GRCh38, 1-based): chr17:7,220,159-7,220,163, GGCCC duplicated; duplicating any 5 consecutive bases within chr17:7,220,151-7,220,163 gives the same sequence; the c. name uses the placement nearest the transcript's 3' end. VCF-style (leftmost placement, unchanged base first): chr17-7220150-C-CCCCGG. GRCh37 (hg19) VCF-style: chr17-7123469-C-CCCCGG.
Other names: c.100_104dup, p.Arg37fs (NM_001033859.3); c.169_173dup, p.Arg60fs (NM_001270447.2); c.-134GGCCC[3] (NM_001270448.2); short protein forms R60fs, R37fs.
Identifiers: ClinVar variation 1440456 (VCV001440456.9), dbSNP rs2142960989, ClinGen allele CA2580613970.

ClinVar aggregate classification (germline): Pathogenic. Review status: criteria provided, multiple submitters, no conflicts (2 of 4 stars). 2 submissions from 2 submitters: Pathogenic (2). Last evaluated 2025-05-15.

Conditions:
Very long chain acyl-CoA dehydrogenase deficiency (ACADVLD). Also called: Very Long-Chain Acyl-Coenzyme A Dehydrogenase Deficiency; VLCAD Deficiency. Identifiers: Orphanet 26793, MedGen C3887523, MONDO:0008723, OMIM 201475.

Submissions (2):

Labcorp Genetics (formerly Invitae), Labcorp
Classification: Pathogenic for Very long chain acyl-CoA dehydrogenase deficiency. Last evaluated: 2025-05-15. Review status: criteria provided, single submitter. Criteria: Invitae Variant Classification Sherloc (09022015). Collection method: clinical testing. Allele origin: germline.
Comment: This sequence change creates a premature translational stop signal (p.Arg37Leufs*26) in the ACADVL gene. It is expected to result in an absent or disrupted protein product. Loss-of-function variants in ACADVL are known to be pathogenic (PMID: 9973285, 11590124). This variant is not present in population databases (gnomAD no frequency). This premature translational stop signal has been observed in individual(s) with very long-chain acyl-CoA dehydrogenase deficiency (PMID: 29519241). This variant is also known as c.103_112dup p.R38P*26. For these reasons, this variant has been classified as Pathogenic.

Baylor Genetics
Classification: Pathogenic for Very long chain acyl-CoA dehydrogenase deficiency. Last evaluated: 2023-08-24. Review status: criteria provided, single submitter. Criteria: ACMG Guidelines, 2015. Collection method: clinical testing. Allele origin: unknown.

Literature cited by the submitters: PubMed 9973285 (cited by Labcorp Genetics (formerly Invitae), Labcorp); PubMed 11590124 (cited by Labcorp Genetics (formerly Invitae), Labcorp); PubMed 29519241 (cited by Labcorp Genetics (formerly Invitae), Labcorp).